The following is an entry in ClinVar:

NM_001330260.2(SCN8A):c.5156C>G (p.Pro1719Arg)

Gene: SCN8A (sodium voltage-gated channel alpha subunit 8; plus strand). Cytogenetic location: 12q13.13.
Variant type: single nucleotide variant.
Coding change: c.5156C>G on transcript NM_001330260.2 (MANE Select); coding-DNA position 5156, C replaced by G.
Protein change: p.Pro1719Arg; replaces proline 1719 with arginine.
Molecular consequence: missense variant.
Genome position (GRCh38, 1-based): chr12:51,806,642, C>G. VCF-style: chr12-51806642-C-G. GRCh37 (hg19) VCF-style: chr12-52200426-C-G.
Other names: c.5033C>G, p.Pro1678Arg (NM_001177984.3, NM_001369788.1); c.5156C>G, p.Pro1719Arg (NM_014191.4); short protein forms P1719R, P1678R.
Identifiers: ClinVar variation 623637 (VCV000623637.8), dbSNP rs1565934070, ClinGen allele CA384883977.

ClinVar aggregate classification (germline): Pathogenic (0 of 4 stars; one submission).

Conditions:
Myoclonus, familial, 2. Identifiers: MedGen C5193056, MONDO:0100092, OMIM 618364.

Submissions (2):

OMIM
Classification: Pathogenic for MYOCLONUS, FAMILIAL, 2 (1 family). Last evaluated: 2024-11-15. Review status: no assertion criteria provided. Collection method: literature only. Allele origin: germline.

Channelopathy-Associated Epilepsy Research Center
No classification provided (evidence only). Condition: Complex neurodevelopmental disorder. Review status: no classification provided. Collection method: literature only. Allele origin: not applicable. Functional consequence: Severe decrease in peak current, Normal voltage dependence of activation, Normal voltage dependence of fast inactivation, Overall loss-of-function effect with respect to biophysical channel activity. Not counted in ClinVar's aggregate classification.
ClinVar note: "not provided" was previously submitted as the classification for the variant. However, the classification appeared to be based only on an observation of functional data so it was converted to no classification on 2025-07-30.

Literature cited by the submitters: PubMed 29726066 (cited by OMIM and Channelopathy-Associated Epilepsy Research Center).